The following is an entry in ClinVar:

NM_001374385.1(ATP8B1):c.781+1G>A

Gene: ATP8B1 (ATPase phospholipid transporting 8B1; minus strand). Cytogenetic location: 18q21.31.
Variant type: single nucleotide variant.
Coding change: c.781+1G>A on transcript NM_001374385.1 (MANE Select); the canonical splice donor site of the intron after coding-DNA position 781, G replaced by A.
Molecular consequence: splice donor variant.
Genome position (GRCh38, 1-based): chr18:57,695,449, C>T on the plus strand (G>A on the coding strand, the complement: ATP8B1 is on the minus strand). VCF-style: chr18-57695449-C-T. GRCh37 (hg19) VCF-style: chr18-55362681-C-T.
Other names: c.781+1G>A (NM_005603.6); c.631+1G>A (NM_001374386.1).
Identifiers: ClinVar variation 3344051 (VCV003344051.2).

ClinVar aggregate classification (germline): Pathogenic (1 of 4 stars; one submission).

Conditions:
ATP8B1-related disorder. Also called: ATP8B1-related condition; ATP8B1-related disorders.

Submission:

PreventionGenetics, part of Exact Sciences
Classification: Pathogenic for ATP8B1-related condition. Last evaluated: 2025-12-16. Review status: criteria provided, single submitter. Criteria: ACMG Guidelines, 2015. Collection method: clinical testing. Allele origin: germline.
Comment: The ATP8B1 c.781+1G>A variant is predicted to disrupt the GT donor site and interfere with normal splicing. This variant has been reported in the compound heterozygous state in an individual with progressive familial intrahepatic cholestasis (Table S1, van Wessel et al 2021. PubMed ID: 33666275). This variant has not been reported in a large population database, indicating it is rare. Variants that disrupt the consensus splice donor site in ATP8B1 are expected to be pathogenic. This variant is interpreted as pathogenic.